The following is an entry in ClinVar:

NM_006944.3(SPP2):c.272C>G (p.Thr91Arg)

Gene: SPP2 (secreted phosphoprotein 2; plus strand). Cytogenetic location: 2q37.1.
Variant type: single nucleotide variant.
Coding change: c.272C>G on transcript NM_006944.3 (MANE Select); coding-DNA position 272, C replaced by G.
Protein change: p.Thr91Arg; replaces threonine 91 with arginine.
Molecular consequence: missense variant.
Genome position (GRCh38, 1-based): chr2:234,058,897, C>G. VCF-style: chr2-234058897-C-G. GRCh37 (hg19) VCF-style: chr2-234967541-C-G.
Other names: short protein forms T91R.
Identifiers: ClinVar variation 4762200 (VCV004762200.1).

ClinVar aggregate classification (germline): Uncertain significance (1 of 4 stars; one submission).

Submission:

Labcorp Genetics (formerly Invitae), Labcorp
Classification: Uncertain significance. Last evaluated: 2025-08-14. Review status: criteria provided, single submitter. Criteria: Invitae Variant Classification Sherloc (09022015). Collection method: clinical testing. Allele origin: germline.
Comment: This sequence change replaces threonine, which is neutral and polar, with arginine, which is basic and polar, at codon 91 of the SPP2 protein (p.Thr91Arg). This variant is not present in population databases (gnomAD no frequency). This variant has not been reported in the literature in individuals affected with SPP2-related conditions. An algorithm developed to predict the effect of missense changes on protein structure and function (PolyPhen-2) suggests that this variant is likely to be disruptive. In summary, the available evidence is currently insufficient to determine the role of this variant in disease. Therefore, it has been classified as a Variant of Uncertain Significance.